The following is an entry in ClinVar:

NM_001943.5(DSG2):c.172C>T (p.Leu58Phe)

Gene: DSG2 (desmoglein 2; plus strand). Cytogenetic location: 18q12.1.
Variant type: single nucleotide variant.
Coding change: c.172C>T on transcript NM_001943.5 (MANE Select); coding-DNA position 172, C replaced by T.
Protein change: p.Leu58Phe; replaces leucine 58 with phenylalanine.
Molecular consequence: missense variant.
Genome position (GRCh38, 1-based): chr18:31,519,893, C>T. VCF-style: chr18-31519893-C-T. GRCh37 (hg19) VCF-style: chr18-29099856-C-T.
Other names: short protein forms L58F.
Identifiers: ClinVar variation 2903403 (VCV002903403.2), dbSNP rs780300040, ClinGen allele CA043567.

ClinVar aggregate classification (germline): Uncertain significance (1 of 4 stars; one submission).

Conditions:
Arrhythmogenic right ventricular dysplasia 10. Also called: Arrhythmogenic Right Ventricular Dysplasia/Cardiomyopathy10; Arrhythmogenic right ventricular dysplasia/cardiomyopathy, type 10; ARRHYTHMOGENIC RIGHT VENTRICULAR DYSPLASIA, FAMILIAL, 10. Identifiers: MedGen C1857777, MONDO:0012434, OMIM 610193.

Allele frequency attached by ClinVar (database versions not stated): ExAC 0.00001.
gnomAD v4.1: 4 of 1,614,142 alleles (0.00025%); highest among the groups gnomAD compares: South Asian, 0.0033%; no homozygotes.

Submission:

Labcorp Genetics (formerly Invitae), Labcorp
Classification: Uncertain significance for Arrhythmogenic right ventricular dysplasia 10. Last evaluated: 2023-09-20. Review status: criteria provided, single submitter. Criteria: Invitae Variant Classification Sherloc (09022015). Collection method: clinical testing. Allele origin: germline.
Comment: In summary, the available evidence is currently insufficient to determine the role of this variant in disease. Therefore, it has been classified as a Variant of Uncertain Significance. Advanced modeling of protein sequence and biophysical properties (such as structural, functional, and spatial information, amino acid conservation, physicochemical variation, residue mobility, and thermodynamic stability) performed at Invitae indicates that this missense variant is not expected to disrupt DSG2 protein function. This variant has not been reported in the literature in individuals affected with DSG2-related conditions. This variant is present in population databases (rs780300040, gnomAD 0.006%). This sequence change replaces leucine, which is neutral and non-polar, with phenylalanine, which is neutral and non-polar, at codon 58 of the DSG2 protein (p.Leu58Phe).